The following is an entry in ClinVar:

ClinVar aggregate classification (germline): Benign. Review status: criteria provided, multiple submitters, no conflicts (2 of 4 stars). 2 submissions from 2 submitters: Benign (2). Last evaluated 2016-03-28.

Allele frequency attached by ClinVar (database versions not stated): 1000 Genomes Project 30x 0.69894; 1000 Genomes Project 0.70966; ESP Exome Variant Server 0.72339; TOPMed 0.72712; gnomAD 0.72981 and 0.73544; ExAC 0.74860; gnomAD exomes 0.81216 and 0.82308.
gnomAD v4.1: 1,254,534 of 1,540,378 alleles (81%); highest among the groups gnomAD compares: East Asian, 96%; 518,046 homozygotes.

Submissions (2):

Laboratory for Molecular Medicine, Mass General Brigham Personalized Medicine
Classification: Benign. Last evaluated: 2016-03-28. Review status: criteria provided, single submitter. Criteria: LMM Criteria. Collection method: clinical testing. Allele origin: germline.
Comment: Variant identified in a genome or exome case(s) and assessed due to predicted null impact of the variant or pathogenic assertions in the literature or databases. Disclaimer: This variant has not undergone full assessment. The following are preliminary notes: Frequency

Breakthrough Genomics
Classification: Benign. Review status: criteria provided, single submitter. Criteria: ACMG Guidelines, 2015. Collection method: not provided. Allele origin: germline. Inheritance: Unknown mechanism. Affected: yes.

NM_001367479.1(DNAH14):c.12319-5C>T

Gene: DNAH14 (dynein axonemal heavy chain 14; plus strand). Cytogenetic location: 1q42.12.
Variant type: single nucleotide variant.
Coding change: c.12319-5C>T on transcript NM_001367479.1 (MANE Select); 5 bases into the intron before coding-DNA position 12319, C replaced by T.
Molecular consequence: intron variant.
Genome position (GRCh38, 1-based): chr1:225,374,683, C>T. VCF-style: chr1-225374683-C-T. GRCh37 (hg19) VCF-style: chr1-225562385-C-T.
Identifiers: ClinVar variation 402663 (VCV000402663.5), dbSNP rs10915816, ClinGen allele CA1416826.